The following is an entry in ClinVar:

NM_001382391.1(CSPP1):c.941G>A (p.Arg314Gln)

Gene: CSPP1 (centrosome and spindle pole associated protein 1; plus strand). Cytogenetic location: 8q13.2.
Variant type: single nucleotide variant.
Coding change: c.941G>A on transcript NM_001382391.1 (MANE Select); coding-DNA position 941, G replaced by A.
Protein change: p.Arg314Gln; replaces arginine 314 with glutamine.
Molecular consequence: missense variant. On other transcripts: intron variant (1).
Genome position (GRCh38, 1-based): chr8:67,103,054, G>A. VCF-style: chr8-67103054-G-A. GRCh37 (hg19) VCF-style: chr8-68015289-G-A.
Other names: c.86G>A, p.Arg29Gln (NM_001291339.2); c.860G>A, p.Arg287Gln (NM_001363131.2, NM_001363133.2); c.941G>A, p.Arg314Gln (NM_001363132.2); c.1049G>A, p.Arg350Gln (NM_001364869.1); c.968G>A, p.Arg323Gln (NM_024790.7); c.951-2851G>A (NM_001364870.1); short protein forms R29Q, R314Q, R323Q, R350Q, R287Q.
Identifiers: ClinVar variation 955447 (VCV000955447.8), dbSNP rs1173092063, ClinGen allele CA371193729.

ClinVar aggregate classification (germline): Uncertain significance. Review status: criteria provided, multiple submitters, no conflicts (2 of 4 stars). 2 submissions from 2 submitters: Uncertain significance (2). Last evaluated 2023-05-23.

Conditions:
Inborn genetic diseases. Identifiers: MedGen C0950123, MeSH D030342.
Joubert syndrome 21 (JBTS21). Identifiers: MedGen C3810212, MONDO:0014288, OMIM 615636.

Allele frequency attached by ClinVar (database versions not stated): gnomAD exomes below 0.00001 and 0.00001.
gnomAD v4.1: 6 of 1,608,356 alleles (0.00037%); highest among the groups gnomAD compares: Admixed American, 0.0067%; no homozygotes.

Submissions (2):

Ambry Genetics
Classification: Uncertain significance for Inborn genetic diseases. Last evaluated: 2023-05-23. Review status: criteria provided, single submitter. Criteria: Ambry Variant Classification Scheme 2023. Collection method: clinical testing. Allele origin: germline.

Labcorp Genetics (formerly Invitae), Labcorp
Classification: Uncertain significance for Joubert syndrome 21. Last evaluated: 2021-09-28. Review status: criteria provided, single submitter. Criteria: Invitae Variant Classification Sherloc (09022015). Collection method: clinical testing. Allele origin: germline.
Comment: In summary, the available evidence is currently insufficient to determine the role of this variant in disease. Therefore, it has been classified as a Variant of Uncertain Significance. Algorithms developed to predict the effect of missense changes on protein structure and function output the following: SIFT: "Tolerated"; PolyPhen-2: "Benign"; Align-GVGD: "Class C0". The glutamine amino acid residue is found in multiple mammalian species, which suggests that this missense change does not adversely affect protein function. This sequence change replaces arginine with glutamine at codon 323 of the CSPP1 protein (p.Arg323Gln). The arginine residue is moderately conserved and there is a small physicochemical difference between arginine and glutamine. This variant is not present in population databases (ExAC no frequency). This variant has not been reported in the literature in individuals affected with CSPP1-related conditions.